The following is an entry in ClinVar:

ClinVar aggregate classification (germline): Conflicting classifications of pathogenicity. Review status: criteria provided, conflicting classifications (1 of 4 stars). 4 submissions from 3 submitters: Uncertain significance (2); Likely benign (2). Last evaluated 2025-01-15.

Conditions:
Microcephaly 6, primary, autosomal recessive. Identifiers: Orphanet 2512, MedGen C1842109, MONDO:0012029, OMIM 608393.
Seckel syndrome 4 (SCKL4). Identifiers: Orphanet 808, MedGen C3888212, MONDO:0013358, OMIM 613676.

Allele frequency attached by ClinVar (database versions not stated): ExAC 0.00003; gnomAD exomes 0.00004 and 0.00020; gnomAD 0.00006 and 0.00007; ESP Exome Variant Server 0.00008; TOPMed 0.00010.
gnomAD v4.1: 305 of 1,608,148 alleles (0.019%); highest among the groups gnomAD compares: Non-Finnish European, 0.024%; no homozygotes.

Submissions (4):

Labcorp Genetics (formerly Invitae), Labcorp
Classification: Likely benign. Last evaluated: 2025-01-15. Review status: criteria provided, single submitter. Criteria: Invitae Variant Classification Sherloc (09022015). Collection method: clinical testing. Allele origin: germline.

GeneDx
Classification: Likely benign. Last evaluated: 2022-06-15. Review status: criteria provided, single submitter. Criteria: GeneDx Variant Classification Process June 2021. Collection method: clinical testing. Allele origin: germline. Affected: yes.
Comment: See Variant Classification Assertion Criteria.

Illumina Laboratory Services, Illumina
Classification: Uncertain significance for Microcephaly 6, primary, autosomal recessive. Last evaluated: 2018-01-12. Review status: criteria provided, single submitter. Criteria: ICSL Variant Classification Criteria 13 December 2019. Collection method: clinical testing. Allele origin: germline.

Illumina Laboratory Services, Illumina
Classification: Uncertain significance for Seckel syndrome 4. Last evaluated: 2018-01-12. Review status: criteria provided, single submitter. Criteria: ICSL Variant Classification Criteria 13 December 2019. Collection method: clinical testing. Allele origin: germline.

NM_018451.5(CPAP):c.865+8A>G

Gene: CPAP (centrosome assembly and centriole elongation protein; minus strand). Cytogenetic location: 13q12.13.
Variant type: single nucleotide variant.
Coding change: c.865+8A>G on transcript NM_018451.5 (MANE Select); 8 bases into the intron after coding-DNA position 865, A replaced by G.
Molecular consequence: intron variant.
Genome position (GRCh38, 1-based): chr13:24,909,782, T>C on the plus strand (A>G on the coding strand, the complement: CPAP is on the minus strand). VCF-style: chr13-24909782-T-C. GRCh37 (hg19) VCF-style: chr13-25483920-T-C.
Identifiers: ClinVar variation 882908 (VCV000882908.9), dbSNP rs373509972, ClinGen allele CA6919903.